The following is an entry in ClinVar:

NM_016023.5(OTUD6B):c.287del (p.Pro96fs)

Gene: OTUD6B (OTU deubiquitinase 6B; plus strand). Cytogenetic location: 8q21.3.
Variant type: Deletion.
Coding change: c.287del on transcript NM_016023.5 (MANE Select); coding-DNA position 287, one base deleted (C; older notation c.287delC).
Protein change: p.Pro96fs; shifts the reading frame from proline 96.
Molecular consequence: frameshift variant. On other transcripts: 5 prime UTR variant (1), intron variant (1).
Genome position (GRCh38, 1-based): chr8:91,073,883, C deleted; the last of 2 consecutive C bases (chr8:91,073,882-91,073,883); deleting either gives the same sequence. VCF-style (leftmost placement, unchanged base first): chr8-91073881-AC-A. GRCh37 (hg19) VCF-style: chr8-92086109-AC-A.
Other names: c.-157del (NM_001286745.3); c.234+2594del (NM_001416022.1); c.287delC (NM_016023.5); short protein forms P96fs.
Identifiers: ClinVar variation 4687388 (VCV004687388.1).

ClinVar aggregate classification (germline): Pathogenic (1 of 4 stars; one submission).

Conditions:
Intellectual developmental disorder with dysmorphic facies, seizures, and distal limb anomalies (IDDFSDA). Identifiers: Orphanet 505237, MedGen C4479520, MONDO:0044319, OMIM 617452.

Submission:

Women's Health and Genetics/Laboratory Corporation of America, LabCorp
Classification: Pathogenic for Intellectual developmental disorder with dysmorphic facies, seizures, and distal limb anomalies. Last evaluated: 2025-10-09. Review status: criteria provided, single submitter. Criteria: LabCorp Variant Classification Summary - May 2015. Collection method: clinical testing. Allele origin: germline.
Comment: Variant summary: OTUD6B c.287delC (p.Pro96LeufsX24) results in a premature termination codon, predicted to cause a truncation of the encoded protein or absence of the protein due to nonsense mediated decay, which are commonly known mechanisms for disease. The frequency data for this variant in gnomAD is considered unreliable, as metrics indicate poor data quality at this position. To our knowledge, no occurrence of c.287delC in individuals affected with OTUD6B-related conditions and no experimental evidence demonstrating its impact on protein function have been reported. No submitters have cited clinical-significance assessments for this variant to ClinVar. Based on the evidence outlined above, the variant was classified as pathogenic.